The following is an entry in ClinVar:

ClinVar aggregate classification (germline): Likely benign (0 of 4 stars; one submission).

Conditions:
GABRB1-related disorder. Also called: GABRB1-related condition.

Submission:

PreventionGenetics, part of Exact Sciences
Classification: Likely benign for GABRB1-related condition. Last evaluated: 2021-06-22. Review status: no assertion criteria provided. Collection method: clinical testing. Allele origin: germline.
Comment: This variant is classified as likely benign based on ACMG/AMP sequence variant interpretation guidelines (Richards et al. 2015 PMID: 25741868, with internal and published modifications).

NM_000812.4(GABRB1):c.33G>T (p.Gly11=)

Gene: GABRB1 (gamma-aminobutyric acid type A receptor subunit beta1; plus strand). Cytogenetic location: 4p12.
Variant type: single nucleotide variant.
Coding change: c.33G>T on transcript NM_000812.4 (MANE Select); coding-DNA position 33, G replaced by T.
Protein change: p.Gly11=; no amino-acid change (glycine 11 retained).
Molecular consequence: synonymous variant.
Genome position (GRCh38, 1-based): chr4:47,031,684, G>T. VCF-style: chr4-47031684-G-T. GRCh37 (hg19) VCF-style: chr4-47033701-G-T.
Identifiers: ClinVar variation 3029793 (VCV003029793.2), dbSNP rs557614816, ClinGen allele CA439244521.